The following is an entry in ClinVar:

ClinVar aggregate classification (germline): Uncertain significance (1 of 4 stars; one submission).

gnomAD v4.1: 1 of 1,601,532 alleles (0.000062%); highest among the groups gnomAD compares: Non-Finnish European, 0.000085%; no homozygotes.

Submission:

Labcorp Genetics (formerly Invitae), Labcorp
Classification: Uncertain significance. Last evaluated: 2022-11-08. Review status: criteria provided, single submitter. Criteria: Invitae Variant Classification Sherloc (09022015). Collection method: clinical testing. Allele origin: germline.
Comment: This sequence change affects codon 735 of the PIK3C2A mRNA. It is a 'silent' change, meaning that it does not change the encoded amino acid sequence of the PIK3C2A protein. This variant is not present in population databases (gnomAD no frequency). This variant has not been reported in the literature in individuals affected with PIK3C2A-related conditions. Algorithms developed to predict the effect of sequence changes on RNA splicing suggest that this variant may disrupt the consensus splice site. In summary, the available evidence is currently insufficient to determine the role of this variant in disease. Therefore, it has been classified as a Variant of Uncertain Significance.

NM_002645.4(PIK3C2A):c.2205C>T (p.Phe735=)

Gene: PIK3C2A (phosphatidylinositol-4-phosphate 3-kinase catalytic subunit type 2 alpha; minus strand). Cytogenetic location: 11p15.1.
Variant type: single nucleotide variant.
Coding change: c.2205C>T on transcript NM_002645.4 (MANE Select); coding-DNA position 2205, C replaced by T.
Protein change: p.Phe735=; no amino-acid change (phenylalanine 735 retained).
Molecular consequence: synonymous variant.
Genome position (GRCh38, 1-based): chr11:17,131,942, G>A on the plus strand (C>T on the coding strand, the complement: PIK3C2A is on the minus strand). VCF-style: chr11-17131942-G-A. GRCh37 (hg19) VCF-style: chr11-17153489-G-A.
Other names: c.2205C>T, p.Phe735= (NM_001321378.2, NM_001386870.1); c.1065C>T, p.Phe355= (NM_001321380.2).
Identifiers: ClinVar variation 1917957 (VCV001917957.5), dbSNP rs1352605981, ClinGen allele CA473279480.